The following is an entry in ClinVar:

ClinVar aggregate classification (germline): Likely pathogenic (1 of 4 stars; one submission).

Conditions:
Mucopolysaccharidosis, MPS-IV-A (MPS4A). Also called: Mucopolysaccharidosis type IV A; Mucopolysaccharidosis Type IVA; Morquio syndrome A, mild; MORQUIO SYNDROME A; MPS IVA; mucopolysaccharidosis type 4A. Identifiers: Orphanet 309297, Orphanet 582, MedGen C0086651, MONDO:0009659, OMIM 253000.

Allele frequency attached by ClinVar (database versions not stated): gnomAD 0.00001.
gnomAD v4.1: 11 of 1,507,186 alleles (0.00073%); highest among the groups gnomAD compares: African/African-American, 0.0029%; no homozygotes.

Submission:

Laboratory of Diagnosis and Therapy of Lysosomal Disorders, University of Padova
Classification: Likely pathogenic for Mucopolysaccharidosis, MPS-IV-A. Last evaluated: 2021-02-01. Review status: criteria provided, single submitter. Criteria: ACMG Guidelines, 2015. Collection method: research. Allele origin: germline. Affected: yes.
Comment: In vitro and vivo functional studies supportive of a damaging effect on the gene product (low to null enzymatic activity in homozygotes; low to null in vitro enzymatic activity; PS3_moderate); the prevalence of the variant in affected individuals is significantly increased compared with the prevalence in controls (PS4_moderate); very low frequency in gnomAD v2.1.1 (PM2_moderate)

Literature cited by the submitters: PubMed 15241807; PubMed 16287098; PubMed 17876718; PubMed 25545067; PubMed 34387910.

NM_000512.5(GALNS):c.1A>G (p.Met1Val)

Genes: TRAPPC2L (trafficking protein particle complex subunit 2L; plus strand), GALNS (galactosamine (N-acetyl)-6-sulfatase; minus strand), LOC130059762 (ATAC-STARR-seq lymphoblastoid silent region 7883; plus strand). Cytogenetic location: 16q24.3.
Variant type: single nucleotide variant.
Coding change: c.1A>G on transcript NM_000512.5 (MANE Select); coding-DNA position 1, A replaced by G.
Protein change: p.Met1Val; changes the start codon (methionine 1).
Molecular consequence: missense variant, initiator codon variant. On other transcripts: 5 prime UTR variant (2).
Genome position (GRCh38, 1-based): chr16:88,856,877, T>C on the plus strand (A>G on the coding strand, the complement: GALNS is on the minus strand). VCF-style: chr16-88856877-T-C. GRCh37 (hg19) VCF-style: chr16-88923285-T-C.
Other names: c.-431A>G (NM_001323543.2); c.-152A>G (NM_001323544.2); short protein forms M1V.
Identifiers: ClinVar variation 1048246 (VCV001048246.4), dbSNP rs771531650, ClinGen allele CA397102309.
Genomic context (GRCh38, chr16:88,856,877, plus strand): 5'-CCGCGGCGCTGAGCACCAGCAACAGCTGCCACCACCTCGTCGCCGCGACAACCGCCGCCA[T>C]GGCAACCACGGGAGCCGCGGAGCCCCGGCCAGCGAGCCGACCTAGCGAGCGTCCGCCGGC-3'
Protein context (NP_000503.1, residues 1-11): [Met1Val]AAVVAATRWW